The following is an entry in ClinVar:

ClinVar aggregate classification (germline): Uncertain significance. Review status: criteria provided, multiple submitters, no conflicts (2 of 4 stars). 2 submissions from 2 submitters: Uncertain significance (2). Last evaluated 2025-05-30.

Conditions:
Inborn genetic diseases. Identifiers: MedGen C0950123, MeSH D030342.
Pitt-Hopkins syndrome (PTHS). Also called: ENCEPHALOPATHY, SEVERE EPILEPTIC, WITH AUTONOMIC DYSFUNCTION; MENTAL RETARDATION, SYNDROMAL, WITH INTERMITTENT HYPERVENTILATION. Identifiers: Orphanet 2896, MedGen C1970431, MONDO:0012589, OMIM 610954.

Submissions (2):

Ambry Genetics
Classification: Uncertain significance for Inborn genetic diseases. Last evaluated: 2025-05-30. Review status: criteria provided, single submitter. Criteria: Ambry Variant Classification Scheme 2023. Collection method: clinical testing. Allele origin: germline.
Comment: The c.1058C>T (p.P353L) alteration is located in exon 13 (coding exon 12) of the TCF4 gene. This alteration results from a C to T substitution at nucleotide position 1058, causing the proline (P) at amino acid position 353 to be replaced by a leucine (L). This variant was not reported in population-based cohorts in the Genome Aggregation Database (gnomAD). This amino acid position is well conserved in available vertebrate species. The in silico prediction for this alteration is inconclusive. Based on insufficient or conflicting evidence, the clinical significance of this alteration remains unclear.

Labcorp Genetics (formerly Invitae), Labcorp
Classification: Uncertain significance for Pitt-Hopkins syndrome. Last evaluated: 2025-05-14. Review status: criteria provided, single submitter. Criteria: Invitae Variant Classification Sherloc (09022015). Collection method: clinical testing. Allele origin: germline.
Comment: This sequence change replaces proline, which is neutral and non-polar, with leucine, which is neutral and non-polar, at codon 353 of the TCF4 protein (p.Pro353Leu). This variant is not present in population databases (gnomAD no frequency). This variant has not been reported in the literature in individuals affected with TCF4-related conditions. ClinVar contains an entry for this variant (Variation ID: 3684148). Invitae Evidence Modeling of protein sequence and biophysical properties (such as structural, functional, and spatial information, amino acid conservation, physicochemical variation, residue mobility, and thermodynamic stability) has been performed for this missense variant. However, the output from this modeling did not meet the statistical confidence thresholds required to predict the impact of this variant on TCF4 protein function. In summary, the available evidence is currently insufficient to determine the role of this variant in disease. Therefore, it has been classified as a Variant of Uncertain Significance.

NM_001083962.2(TCF4):c.1058C>T (p.Pro353Leu)

Gene: TCF4 (transcription factor 4; minus strand). Cytogenetic location: 18q21.2.
Variant type: single nucleotide variant.
Coding change: c.1058C>T on transcript NM_001083962.2 (MANE Select); coding-DNA position 1058, C replaced by T.
Protein change: p.Pro353Leu; replaces proline 353 with leucine.
Molecular consequence: missense variant.
Genome position (GRCh38, 1-based): chr18:55,259,960, G>A on the plus strand (C>T on the coding strand, the complement: TCF4 is on the minus strand). VCF-style: chr18-55259960-G-A. GRCh37 (hg19) VCF-style: chr18-52927191-G-A.
Other names: c.410C>T, p.Pro137Leu (NM_001348215.2); c.578C>T, p.Pro193Leu (NM_001348216.2, NM_001243234.2, NM_001243235.2 and 2 more transcripts); c.986C>T, p.Pro329Leu (NM_001348217.1, NM_001348218.2, NM_001348219.2 and 9 more transcripts); c.983C>T, p.Pro328Leu (NM_001348220.1, NM_001369581.1, NM_001369584.1 and 3 more transcripts); c.1058C>T, p.Pro353Leu (NM_001369567.1, NM_001369568.1, NM_003199.3 and 4 more transcripts); c.1055C>T, p.Pro352Leu (NM_001369569.1, NM_001369570.1, NM_001369573.1); c.1058C>T (NM_001083962.1); c.845C>T, p.Pro282Leu (NM_001306208.1, NM_001243232.1); and 5 more; short protein forms P137L, P282L, P311L, P329L, P352L, P193L, P223L, P353L.
Identifiers: ClinVar variation 3684148 (VCV003684148.3).